The following is an entry in ClinVar:

ClinVar aggregate classification (germline): Uncertain significance (1 of 4 stars; one submission).

Conditions:
Diamond-Blackfan anemia. Also called: Blackfan Diamond syndrome; Aregenerative anemia chronic congenital; Red cell aplasia, pure hereditary; Congenital hypoplastic anemia; Aase syndrome. Identifiers: Orphanet 124, MedGen C1260899, MeSH D029503, MONDO:0015253, HP:0004810.

Allele frequency attached by ClinVar (database versions not stated): gnomAD exomes below 0.00001; TOPMed below 0.00001.
gnomAD v4.1: 3 of 1,610,434 alleles (0.00019%); highest among the groups gnomAD compares: East Asian, 0.0022%; no homozygotes.

Submission:

Labcorp Genetics (formerly Invitae), Labcorp
Classification: Uncertain significance for Diamond-Blackfan anemia. Last evaluated: 2025-06-02. Review status: criteria provided, single submitter. Criteria: Invitae Variant Classification Sherloc (09022015). Collection method: clinical testing. Allele origin: germline.
Comment: This sequence change replaces lysine, which is basic and polar, with threonine, which is neutral and polar, at codon 124 of the RPL26 protein (p.Lys124Thr). This variant is not present in population databases (gnomAD no frequency). This variant has not been reported in the literature in individuals affected with RPL26-related conditions. ClinVar contains an entry for this variant (Variation ID: 1910622). An algorithm developed to predict the effect of missense changes on protein structure and function (PolyPhen-2) suggests that this variant is likely to be tolerated. In summary, the available evidence is currently insufficient to determine the role of this variant in disease. Therefore, it has been classified as a Variant of Uncertain Significance.

NM_000987.5(RPL26):c.371A>C (p.Lys124Thr)

Gene: RPL26 (ribosomal protein L26; minus strand). Cytogenetic location: 17p13.1.
Variant type: single nucleotide variant.
Coding change: c.371A>C on transcript NM_000987.5 (MANE Select); coding-DNA position 371, A replaced by C.
Protein change: p.Lys124Thr; replaces lysine 124 with threonine.
Molecular consequence: missense variant.
Genome position (GRCh38, 1-based): chr17:8,377,631, T>G on the plus strand (A>C on the coding strand, the complement: RPL26 is on the minus strand). VCF-style: chr17-8377631-T-G. GRCh37 (hg19) VCF-style: chr17-8280949-T-G.
Other names: c.371A>C, p.Lys124Thr (NM_001315530.2, NM_001315531.2); short protein forms K124T.
Identifiers: ClinVar variation 1910622 (VCV001910622.5), dbSNP rs752268233, ClinGen allele CA398012614.